The following is an entry in ClinVar:

NM_001613.4(ACTA2):c.592C>T (p.Arg198Cys)

Gene: ACTA2 (actin alpha 2, smooth muscle; minus strand). Cytogenetic location: 10q23.31.
Variant type: single nucleotide variant.
Coding change: c.592C>T on transcript NM_001613.4 (MANE Select); coding-DNA position 592, C replaced by T.
Protein change: p.Arg198Cys; replaces arginine 198 with cysteine.
Molecular consequence: missense variant.
Genome position (GRCh38, 1-based): chr10:88,941,253, G>A on the plus strand (C>T on the coding strand, the complement: ACTA2 is on the minus strand). VCF-style: chr10-88941253-G-A. GRCh37 (hg19) VCF-style: chr10-90701010-G-A.
Other names: c.592C>T, p.Arg198Cys (NM_001141945.3, NM_001320855.2, NM_001406462.1 and 3 more transcripts); c.481C>T, p.Arg161Cys (NM_001406466.1); c.463C>T, p.Arg155Cys (NM_001406467.1, NM_001406468.1, NM_001406469.1); short protein forms R198C, R155C, R161C.
Identifiers: ClinVar variation 263819 (VCV000263819.21), dbSNP rs772862676, ClinGen allele CA028754.

ClinVar aggregate classification (germline): Pathogenic/Likely pathogenic. Review status: criteria provided, multiple submitters, no conflicts (2 of 4 stars). 7 submissions from 7 submitters: Pathogenic (1); Likely pathogenic (4). 2 of the submissions do not count toward it. Last evaluated 2026-02-01.

Conditions:
Thoracic aortic aneurysm or dissection.
ACTA2-related disorder. Also called: ACTA2-related condition; ACTA2-related disorders.
Familial thoracic aortic aneurysm and aortic dissection (TAAD). Also called: Thoracic aortic aneurysms and dissections. Identifiers: Orphanet 91387, MedGen C4707243, MONDO:0019625.
Aortic aneurysm, familial thoracic 6 (AAT6). Also called: FAMILIAL THORACIC AORTIC ANEURYSM WITH LIVEDO RETICULARIS AND IRIS FLOCCULI. Identifiers: MedGen C2673186, MONDO:0012730, OMIM 611788.

Allele frequency attached by ClinVar (database versions not stated): gnomAD exomes below 0.00001; TOPMed below 0.00001; ExAC 0.00001; gnomAD 0.00001.
gnomAD v4.1: 3 of 1,613,784 alleles (0.00019%); highest among the groups gnomAD compares: African/African-American, 0.0013%; no homozygotes.

Submissions (7):

Labcorp Genetics (formerly Invitae), Labcorp
Classification: Pathogenic for Aortic aneurysm, familial thoracic 6. Last evaluated: 2026-02-01. Review status: criteria provided, single submitter. Criteria: Invitae Variant Classification Sherloc (09022015). Collection method: clinical testing. Allele origin: germline.
Comment: This sequence change replaces arginine, which is basic and polar, with cysteine, which is neutral and slightly polar, at codon 198 of the ACTA2 protein (p.Arg198Cys). This variant is present in population databases (rs772862676, gnomAD 0.0009%). This missense change has been observed in individuals with thoracic aortic aneurysm and/or dissection (PMID: 25759435; internal data). ClinVar contains an entry for this variant (Variation ID: 263819). Invitae Evidence Modeling of protein sequence and biophysical properties (such as structural, functional, and spatial information, amino acid conservation, physicochemical variation, residue mobility, and thermodynamic stability) indicates that this missense variant is not expected to disrupt ACTA2 protein function with a negative predictive value of 80%. This variant disrupts the p.Arg198 amino acid residue in ACTA2. Other variant(s) that disrupt this residue have been determined to be pathogenic (PMID: 25759435; internal data). This suggests that this residue is clinically significant, and that variants that disrupt this residue are likely to be disease-causing. For these reasons, this variant has been classified as Pathogenic.

NHS Central & South Genomic Laboratory Hub
Classification: Likely pathogenic for Thoracic aortic aneurysm or dissection. Last evaluated: 2025-04-09. Review status: criteria provided, single submitter. Criteria: ACMG Guidelines, 2015. Collection method: clinical testing. Allele origin: germline. Affected: yes.

Ambry Genetics
Classification: Likely pathogenic for Familial thoracic aortic aneurysm and aortic dissection. Last evaluated: 2024-07-15. Review status: criteria provided, single submitter. Criteria: Ambry Variant Classification Scheme 2023. Collection method: clinical testing. Allele origin: germline.
Comment: The p.R198C variant (also known as c.592C>T), located in coding exon 5 of the ACTA2 gene, results from a C to T substitution at nucleotide position 592. The arginine at codon 198 is replaced by cysteine, an amino acid with highly dissimilar properties. This variant has been detected in individuals with features consistent with ACTA2-related vascular disorders (Regalado ES et al. Circ Cardiovasc Genet, 2015 Jun;8:457-64; Focke JK et al. Neurol Res Pract. 2023 Aug;5(1):38; external communication; Ambry internal data). Another variant at the same codon, p.R198H (c.593G>A), has also been reported in association with ACTA2-related vascular disorders (Regalado ES et al, Circ Cardiovasc Genet 2015 Jun; 8(3):457-64). This amino acid position is highly conserved in available vertebrate species. In addition, this alteration is predicted to be deleterious by in silico analysis. This missense alteration is located in a region that has a low rate of benign missense variation (Lek M et al. Nature. 2016 Aug 18;536(7616):285-91; DECIPHER: Database of Chromosomal Imbalance and Phenotype in Humans using Ensembl Resources. Firth H.V. et al. 2009. Am.J.Hum.Genet. 84, 524-533 (DOI)). This variant is considered to be rare based on population cohorts in the Genome Aggregation Database (gnomAD). Based on the majority of available evidence to date, this variant is likely to be pathogenic.

Color Diagnostics, LLC DBA Color Health
Classification: Likely pathogenic for Familial thoracic aortic aneurysm and aortic dissection. Last evaluated: 2024-06-12. Review status: criteria provided, single submitter. Criteria: ACMG Guidelines, 2015. Collection method: clinical testing. Allele origin: germline.
Comment: This missense variant replaces arginine with cysteine at codon 198 of the ACTA2 protein. Computational prediction tools indicate that this variant has a deleterious impact on protein structure and function. To our knowledge, functional studies have not been reported for this variant. This variant has been reported in at least three unrelated individuals affected with thoracic aortic aneurysm and aortic dissection (PMID: 25759435, 37587538). It has been shown that this variant segregates with disease in four affected individuals in one family (PMID: 37587538). This variant has been identified in 1/250946 chromosomes in the general population by the Genome Aggregation Database (gnomAD). A different variant affecting the same codon, p.Arg198His, is considered to be disease-causing (ClinVar variation ID: 264311), suggesting that arginine at this position is important for ACTA2 protein function. Based on the available evidence, this variant is classified as Likely Pathogenic.

Blueprint Genetics
Classification: Likely pathogenic for ACTA2-related disorders. Last evaluated: 2020-07-13. Review status: criteria provided, single submitter. Criteria: ACMG Guidelines, 2015. Collection method: clinical testing. Allele origin: germline. Affected: yes. Observed: 2 variant alleles.

GeneDx
Classification: Uncertain significance. Last evaluated: 2020-10-19. Review status: flagged submission. Criteria: GeneDx Variant Classification Process June 2021. Collection method: clinical testing. Allele origin: germline. Affected: yes. Not counted in ClinVar's aggregate classification.
Comment: Reported in ClinVar as a variant of uncertain significance or likely pathological (ClinVar Variant ID# 263819; Landrum et al., 2016); Not observed at a significant frequency in large population cohorts (Lek et al., 2016); In silico analysis, which includes protein predictors and evolutionary conservation, supports a deleterious effect; This variant is associated with the following publications: (PMID: 25759435)
ClinVar note: Reason: Older claim that does not account for recent evidence

CHEO Genetics Diagnostic Laboratory, Children's Hospital of Eastern Ontario
Classification: Uncertain significance for Familial thoracic aortic aneurysm and aortic dissection. Last evaluated: 2020-08-21. Review status: flagged submission. Criteria: ACMG Guidelines, 2015. Collection method: clinical testing. Allele origin: germline. Not counted in ClinVar's aggregate classification.
ClinVar note: Reason: Older claim that does not account for recent evidence

Literature cited by the submitters: PubMed 25759435 (cited by 3 submitters); PubMed 37587538 (cited by Ambry Genetics and Color Diagnostics, LLC DBA Color Health).